The following is an entry in ClinVar:

NM_000465.4(BARD1):c.2111G>T (p.Ser704Ile)

Gene: BARD1 (BRCA1 associated RING domain 1; minus strand). Cytogenetic location: 2q35.
Variant type: single nucleotide variant.
Coding change: c.2111G>T on transcript NM_000465.4 (MANE Select); coding-DNA position 2111, G replaced by T.
Protein change: p.Ser704Ile; replaces serine 704 with isoleucine.
Molecular consequence: missense variant. On other transcripts: non-coding transcript variant (3).
Genome position (GRCh38, 1-based): chr2:214,728,899, C>A on the plus strand (G>T on the coding strand, the complement: BARD1 is on the minus strand). VCF-style: chr2-214728899-C-A. GRCh37 (hg19) VCF-style: chr2-215593623-C-A.
Other names: c.2054G>T, p.Ser685Ile (NM_001282543.2); c.758G>T, p.Ser253Ile (NM_001282545.2); c.701G>T, p.Ser234Ile (NM_001282548.2); c.572G>T, p.Ser191Ile (NM_001282549.2); c.2111G>T (NM_000465.2); short protein forms S704I, S191I, S234I, S685I, S253I.
Identifiers: ClinVar variation 627908 (VCV000627908.6), dbSNP rs764477334, ClinGen allele CA350450600.
Genomic context (GRCh38, chr2:214,728,899, plus strand): 5'-GCATGGTATGCGACTGTATTGATGGTCTGAGTCACGTCACTGTCTGGCTTGGGCTTTCTA[C>A]TGAGGATCTGGCCCCCACCTGCAGTGACGAGCTTAATAAGGTTGTCCTTTGGATGGTGTT-3'
Protein context (NP_000456.2, residues 694-714): LVTAGGGQIL[Ser704Ile]RKPKPDSDVT

ClinVar aggregate classification (germline): Uncertain significance. Review status: criteria provided, multiple submitters, no conflicts (2 of 4 stars). 2 submissions from 2 submitters: Uncertain significance (2). Last evaluated 2026-04-28.

Conditions:
Hereditary cancer-predisposing syndrome. Also called: Tumor predisposition; Hereditary Cancer Syndrome; Neoplastic Syndromes, Hereditary; Hereditary neoplastic syndrome. Identifiers: Orphanet 140162, MedGen C0027672, MeSH D009386, MONDO:0015356.

Submissions (2):

Ambry Genetics
Classification: Uncertain significance for Hereditary cancer-predisposing syndrome. Last evaluated: 2026-04-28. Review status: criteria provided, single submitter. Criteria: Ambry Variant Classification Scheme 2023. Collection method: clinical testing. Allele origin: germline.
Comment: The p.S704I variant (also known as c.2111G>T), located in coding exon 11 of the BARD1 gene, results from a G to T substitution at nucleotide position 2111. The serine at codon 704 is replaced by isoleucine, an amino acid with dissimilar properties. This amino acid position is conserved. In addition, this alteration is predicted to be tolerated by in silico analysis. Based on the available evidence, the clinical significance of this variant remains unclear.

Color Diagnostics, LLC DBA Color Health
Classification: Uncertain significance for Hereditary cancer-predisposing syndrome. Last evaluated: 2022-01-06. Review status: criteria provided, single submitter. Criteria: ACMG Guidelines, 2015. Collection method: clinical testing. Allele origin: germline.
Comment: This missense variant replaces serine with isoleucine at codon 704 of the BARD1 protein. Computational prediction suggests that this variant may not impact protein structure and function (internally defined REVEL score threshold <= 0.5, PMID: 27666373). To our knowledge, functional studies have not been reported for this variant. This variant has not been reported in individuals affected with hereditary cancer in the literature. This variant has not been identified in the general population by the Genome Aggregation Database (gnomAD). The available evidence is insufficient to determine the role of this variant in disease conclusively. Therefore, this variant is classified as a Variant of Uncertain Significance.